The following is an entry in ClinVar:

NM_000223.4(KRT12):c.728C>T (p.Thr243Ile)

Gene: KRT12 (keratin 12; minus strand). Cytogenetic location: 17q21.2.
Variant type: single nucleotide variant.
Coding change: c.728C>T on transcript NM_000223.4 (MANE Select); coding-DNA position 728, C replaced by T.
Protein change: p.Thr243Ile; replaces threonine 243 with isoleucine.
Molecular consequence: missense variant.
Genome position (GRCh38, 1-based): chr17:40,864,885, G>A on the plus strand (C>T on the coding strand, the complement: KRT12 is on the minus strand). VCF-style: chr17-40864885-G-A. GRCh37 (hg19) VCF-style: chr17-39021137-G-A.
Other names: short protein forms T243I.
Identifiers: ClinVar variation 717637 (VCV000717637.19), dbSNP rs61735165, ClinGen allele CA8548796.

ClinVar aggregate classification (germline): Likely benign. Review status: criteria provided, multiple submitters, no conflicts (2 of 4 stars). 3 submissions from 3 submitters: Likely benign (2). 1 of the submissions does not count toward it. Last evaluated 2025-05-01.

Conditions:
KRT12-related disorder. Also called: KRT12-related condition.

Allele frequency attached by ClinVar (database versions not stated): 1000 Genomes Project 0.00020; 1000 Genomes Project 30x 0.00031; ESP Exome Variant Server 0.00092; ExAC 0.00132; gnomAD 0.00136 and 0.00139; TOPMed 0.00147; gnomAD exomes 0.00175.
gnomAD v4.1: 2,680 of 1,614,244 alleles (0.17%); highest among the groups gnomAD compares: Admixed American, 0.14%; 7 homozygotes.

Submissions (3):

CeGaT Center for Human Genetics Tuebingen
Classification: Likely benign. Last evaluated: 2025-05-01. Review status: criteria provided, single submitter. Criteria: CeGaT Center For Human Genetics Tuebingen Variant Classification Criteria Version 2. Collection method: clinical testing. Allele origin: germline. Affected: yes. Observed: 1 variant allele.
Comment: KRT12: BS1

Labcorp Genetics (formerly Invitae), Labcorp
Classification: Likely benign. Last evaluated: 2025-02-08. Review status: criteria provided, single submitter. Criteria: Invitae Variant Classification Sherloc (09022015). Collection method: clinical testing. Allele origin: germline.

PreventionGenetics, part of Exact Sciences
Classification: Likely benign for KRT12-related condition. Last evaluated: 2020-12-15. Review status: no assertion criteria provided. Collection method: clinical testing. Allele origin: germline. Not counted in ClinVar's aggregate classification.
Comment: This variant is classified as likely benign based on ACMG/AMP sequence variant interpretation guidelines (Richards et al. 2015 PMID: 25741868, with internal and published modifications).